The following is an entry in ClinVar:

NM_021096.4(CACNA1I):c.5788T>A (p.Phe1930Ile)

Gene: CACNA1I (calcium voltage-gated channel subunit alpha1 I; plus strand). Cytogenetic location: 22q13.1.
Variant type: single nucleotide variant.
Coding change: c.5788T>A on transcript NM_021096.4 (MANE Select); coding-DNA position 5788, T replaced by A.
Protein change: p.Phe1930Ile; replaces phenylalanine 1930 with isoleucine.
Molecular consequence: missense variant.
Genome position (GRCh38, 1-based): chr22:39,682,619, T>A. VCF-style: chr22-39682619-T-A. GRCh37 (hg19) VCF-style: chr22-40078624-T-A.
Other names: c.5683T>A, p.Phe1895Ile (NM_001003406.2); short protein forms F1895I, F1930I.
Identifiers: ClinVar variation 1704796 (VCV001704796.2), dbSNP rs1935739340, ClinGen allele CA411642000.

ClinVar aggregate classification (germline): Uncertain significance (1 of 4 stars; one submission).

Allele frequency attached by ClinVar (database versions not stated): TOPMed below 0.00001.

Submission:

GeneDx
Classification: Uncertain significance. Last evaluated: 2022-03-08. Review status: criteria provided, single submitter. Criteria: GeneDx Variant Classification Process June 2021. Collection method: clinical testing. Allele origin: germline. Affected: yes.
Comment: Not observed at significant frequency in large population cohorts (gnomAD); In silico analysis supports that this missense variant does not alter protein structure/function; Has not been previously published as pathogenic or benign to our knowledge